The following is an entry in ClinVar:

NM_001384900.1(SEMA3D):c.147C>A (p.Tyr49Ter)

Gene: SEMA3D (semaphorin 3D; minus strand). Cytogenetic location: 7q21.11.
Variant type: single nucleotide variant.
Coding change: c.147C>A on transcript NM_001384900.1 (MANE Select); coding-DNA position 147, C replaced by A.
Protein change: p.Tyr49Ter; replaces tyrosine 49 with a stop codon.
Molecular consequence: nonsense.
Genome position (GRCh38, 1-based): chr7:85,121,745, G>T on the plus strand (C>A on the coding strand, the complement: SEMA3D is on the minus strand). VCF-style: chr7-85121745-G-T. GRCh37 (hg19) VCF-style: chr7-84751061-G-T.
Other names: c.147C>A, p.Tyr49Ter (NM_001384901.1, NM_001384902.1, NM_001384903.1 and 1 more transcripts); short protein forms Y49*.
Identifiers: ClinVar variation 3347296 (VCV003347296.1).

ClinVar aggregate classification (germline): Uncertain significance (0 of 4 stars; one submission).

Conditions:
SEMA3D-related disorder. Also called: SEMA3D-related condition.

gnomAD v4.1: 1 of 1,547,224 alleles (0.000065%); highest among the groups gnomAD compares: Non-Finnish European, 0.000088%; no homozygotes.

Submission:

PreventionGenetics, part of Exact Sciences
Classification: Uncertain significance for SEMA3D-related condition. Last evaluated: 2024-05-10. Review status: no assertion criteria provided. Collection method: clinical testing. Allele origin: germline.
Comment: The SEMA3D c.147C>A variant is predicted to result in premature protein termination (p.Tyr49*). To our knowledge, this variant has not been reported in the literature or in a large population database, indicating this variant is rare. At this time, the clinical significance of this variant is uncertain due to the absence of conclusive functional and genetic evidence.